The following is an entry in ClinVar:

ClinVar aggregate classification (germline): Uncertain significance (1 of 4 stars; one submission).

Allele frequency attached by ClinVar (database versions not stated): gnomAD exomes below 0.00001; ExAC 0.00001; gnomAD 0.00002; TOPMed 0.00002.
gnomAD v4.1: 3 of 1,613,838 alleles (0.00019%); highest among the groups gnomAD compares: Admixed American, 0.0017%; no homozygotes.

Submission:

Labcorp Genetics (formerly Invitae), Labcorp
Classification: Uncertain significance. Last evaluated: 2021-09-14. Review status: criteria provided, single submitter. Criteria: Invitae Variant Classification Sherloc (09022015). Collection method: clinical testing. Allele origin: germline.
Comment: Algorithms developed to predict the effect of missense changes on protein structure and function are either unavailable or do not agree on the potential impact of this missense change (SIFT: "Tolerated"; PolyPhen-2: "Probably Damaging"; Align-GVGD: "Class C0"). In summary, the available evidence is currently insufficient to determine the role of this variant in disease. Therefore, it has been classified as a Variant of Uncertain Significance. This sequence change replaces arginine with cysteine at codon 63 of the CSF2RB protein (p.Arg63Cys). The arginine residue is weakly conserved and there is a large physicochemical difference between arginine and cysteine. This variant is present in population databases (rs763415308, ExAC 0.002%). This variant has not been reported in the literature in individuals affected with CSF2RB-related conditions.

NM_000395.3(CSF2RB):c.187C>T (p.Arg63Cys)

Gene: CSF2RB (colony stimulating factor 2 receptor subunit beta; plus strand). Cytogenetic location: 22q12.3.
Variant type: single nucleotide variant.
Coding change: c.187C>T on transcript NM_000395.3 (MANE Select); coding-DNA position 187, C replaced by T.
Protein change: p.Arg63Cys; replaces arginine 63 with cysteine.
Molecular consequence: missense variant.
Genome position (GRCh38, 1-based): chr22:36,923,354, C>T. VCF-style: chr22-36923354-C-T. GRCh37 (hg19) VCF-style: chr22-37319396-C-T.
Other names: short protein forms R63C.
Identifiers: ClinVar variation 1485508 (VCV001485508.6), dbSNP rs763415308, ClinGen allele CA10213377.